The following is an entry in ClinVar:

NM_004655.4(AXIN2):c.1801G>C (p.Gly601Arg)

Gene: AXIN2 (axin 2; minus strand). Cytogenetic location: 17q24.1.
Variant type: single nucleotide variant.
Coding change: c.1801G>C on transcript NM_004655.4 (MANE Select); coding-DNA position 1801, G replaced by C.
Protein change: p.Gly601Arg; replaces glycine 601 with arginine.
Molecular consequence: missense variant. On other transcripts: intron variant (1).
Genome position (GRCh38, 1-based): chr17:65,536,975, C>G on the plus strand (G>C on the coding strand, the complement: AXIN2 is on the minus strand). VCF-style: chr17-65536975-C-G. GRCh37 (hg19) VCF-style: chr17-63533093-C-G.
Other names: c.1801G>C (NM_004655.3); c.1712+349G>C (NM_001363813.1); short protein forms G601R.
Identifiers: ClinVar variation 1475258 (VCV001475258.13), dbSNP rs750354919, ClinGen allele CA400676594.

ClinVar aggregate classification (germline): Uncertain significance. Review status: criteria provided, multiple submitters, no conflicts (2 of 4 stars). 3 submissions from 3 submitters: Uncertain significance (3). Last evaluated 2025-03-04.

Conditions:
Hereditary cancer-predisposing syndrome. Also called: Neoplastic Syndromes, Hereditary; Hereditary Cancer Syndrome; Tumor predisposition; Hereditary neoplastic syndrome. Identifiers: Orphanet 140162, MedGen C0027672, MeSH D009386, MONDO:0015356.
Oligodontia-cancer predisposition syndrome. Also called: TOOTH AGENESIS-COLORECTAL CANCER SYNDROME. Identifiers: Orphanet 300576, MedGen C1837750, MONDO:0012075, OMIM 608615. Disease mechanism: loss of function.

Submissions (3):

Center for Genomic Medicine, Rigshospitalet, Copenhagen University Hospital
Classification: Uncertain significance. Last evaluated: 2025-03-04. Review status: criteria provided, single submitter. Criteria: ACMG Guidelines, 2015. Collection method: clinical testing. Allele origin: germline.

Labcorp Genetics (formerly Invitae), Labcorp
Classification: Uncertain significance for Oligodontia-cancer predisposition syndrome. Last evaluated: 2023-01-13. Review status: criteria provided, single submitter. Criteria: Invitae Variant Classification Sherloc (09022015). Collection method: clinical testing. Allele origin: germline.
Comment: In summary, the available evidence is currently insufficient to determine the role of this variant in disease. Therefore, it has been classified as a Variant of Uncertain Significance. Algorithms developed to predict the effect of missense changes on protein structure and function are either unavailable or do not agree on the potential impact of this missense change (SIFT: "Tolerated"; PolyPhen-2: "Possibly Damaging"; Align-GVGD: "Class C0"). ClinVar contains an entry for this variant (Variation ID: 1475258). This variant has not been reported in the literature in individuals affected with AXIN2-related conditions. This variant is not present in population databases (gnomAD no frequency). This sequence change replaces glycine, which is neutral and non-polar, with arginine, which is basic and polar, at codon 601 of the AXIN2 protein (p.Gly601Arg).

Ambry Genetics
Classification: Uncertain significance for Hereditary cancer-predisposing syndrome. Last evaluated: 2020-10-30. Review status: criteria provided, single submitter. Criteria: Ambry Variant Classification Scheme 2023. Collection method: clinical testing. Allele origin: germline.
Comment: The p.G601R variant (also known as c.1801G>C), located in coding exon 6 of the AXIN2 gene, results from a G to C substitution at nucleotide position 1801. The glycine at codon 601 is replaced by arginine, an amino acid with dissimilar properties. This amino acid position is not well conserved in available vertebrate species. In addition, this alteration is predicted to be tolerated by in silico analysis. Since supporting evidence is limited at this time, the clinical significance of this alteration remains unclear.